The following is an entry in ClinVar:

Conditions:
Breast-ovarian cancer, familial, susceptibility to, 1 (BROVCA1). Also called: BRCA1 Hereditary Breast and Ovarian Cancer; OVARIAN CANCER, SUSCEPTIBILITY TO. Identifiers: Orphanet 145, MedGen C2676676, MONDO:0011450, OMIM 604370. Disease mechanism: loss of function.

Allele frequency attached by ClinVar (database versions not stated): gnomAD exomes below 0.00001.

Submission:

Brotman Baty Institute, University of Washington
No classification provided (evidence only). Condition: Breast-ovarian cancer, familial 1. Review status: no classification provided. Collection method: in vitro. Allele origin: not applicable. Functional consequence: functionally_normal.
ClinVar note: "not provided" was previously submitted as the classification for the variant. However, the classification appeared to be based only on an observation of functional data so it was converted to no classification on 2025-07-30.

NM_007294.4(BRCA1):c.5381A>G (p.Glu1794Gly)

Gene: BRCA1 (BRCA1 DNA repair associated; minus strand). Cytogenetic location: 17q21.31.
Variant type: single nucleotide variant.
Coding change: c.5381A>G on transcript NM_007294.4 (MANE Select); coding-DNA position 5381, A replaced by G.
Protein change: p.Glu1794Gly; replaces glutamic acid 1794 with glycine.
Molecular consequence: missense variant. On other transcripts: non-coding transcript variant (1), intron variant (1).
Genome position (GRCh38, 1-based): chr17:43,049,146, T>C on the plus strand (A>G on the coding strand, the complement: BRCA1 is on the minus strand). VCF-style: chr17-43049146-T-C. GRCh37 (hg19) VCF-style: chr17-41201163-T-C.
Other names: c.5168A>G, p.Glu1723Gly (NM_001407571.1, NM_001407894.1, NM_001407908.1 and 12 more transcripts); c.5447A>G, p.Glu1816Gly (NM_001407581.1, NM_001407582.1); c.5444A>G, p.Glu1815Gly (NM_001407583.1, NM_001407585.1, NM_001407587.1 and 1 more transcripts); c.5441A>G, p.Glu1814Gly (NM_001407590.1, NM_001407591.1); c.5381A>G, p.Glu1794Gly (NM_001407593.1, NM_001407594.1, NM_001407596.1 and 5 more transcripts); c.5378A>G, p.Glu1793Gly (NM_001407610.1, NM_001407611.1, NM_001407612.1 and 14 more transcripts); c.5375A>G, p.Glu1792Gly (NM_001407628.1, NM_001407629.1, NM_001407630.1 and 13 more transcripts); c.5324A>G, p.Glu1775Gly (NM_001407648.1); and 73 more; short protein forms E1747G, E1794G, E1815G, E690G, E1497G, E1640G, E1681G, E1682G.
Identifiers: ClinVar variation 865680 (VCV000865680.3), dbSNP rs2051080642, ClinGen allele CA10590710.